The following is an entry in ClinVar:

ClinVar aggregate classification (germline): Benign. Review status: criteria provided, multiple submitters, no conflicts (2 of 4 stars). 2 submissions from 2 submitters: Benign (2). Last evaluated 2016-03-29.

Allele frequency attached by ClinVar (database versions not stated): 1000 Genomes Project 30x 0.01530; 1000 Genomes Project 0.01617; TOPMed 0.02076; gnomAD 0.02441 and 0.02450; gnomAD exomes 0.02814 and 0.03745; ESP Exome Variant Server 0.02911; ExAC 0.04641.
gnomAD v4.1: 57,645 of 1,603,722 alleles (3.6%); highest among the groups gnomAD compares: Non-Finnish European, 4.2%; 1,220 homozygotes.

Submissions (2):

Laboratory for Molecular Medicine, Mass General Brigham Personalized Medicine
Classification: Benign. Last evaluated: 2016-03-29. Review status: criteria provided, single submitter. Criteria: LMM Criteria. Collection method: clinical testing. Allele origin: germline.
Comment: Variant identified in a genome or exome case(s) and assessed due to predicted null impact of the variant or pathogenic assertions in the literature or databases. Disclaimer: This variant has not undergone full assessment. The following are preliminary notes: Frequency

Breakthrough Genomics
Classification: Benign. Review status: criteria provided, single submitter. Criteria: ACMG Guidelines, 2015. Collection method: not provided. Allele origin: germline. Inheritance: Autosomal recessive inheritance. Affected: yes.

NM_001372106.1(DNAH10):c.6311C>T (p.Thr2104Met)

Gene: DNAH10 (dynein axonemal heavy chain 10; plus strand). Cytogenetic location: 12q24.31.
Variant type: single nucleotide variant.
Coding change: c.6311C>T on transcript NM_001372106.1 (MANE Select); coding-DNA position 6311, C replaced by T.
Protein change: p.Thr2104Met; replaces threonine 2104 with methionine.
Molecular consequence: missense variant.
Genome position (GRCh38, 1-based): chr12:123,853,225, C>T. VCF-style: chr12-123853225-C-T. GRCh37 (hg19) VCF-style: chr12-124337772-C-T.
Other names: c.5957C>T, p.Thr1986Met (NM_207437.3); short protein forms T1986M, T2104M.
Identifiers: ClinVar variation 402617 (VCV000402617.5), dbSNP rs33935373, ClinGen allele CA6864162.
Genomic context (GRCh38, chr12:123,853,225, plus strand): 5'-CTTTTTTCTTTTTTTTTGTATTATTATCTTCTATCAAAAAGACTCTGGCGAAAAAGATGA[C>T]GGTTCTGTATAAGCTGGCCCGGGAGCAGCTGTCCAAGCAGTATCACTATGATTTTGGACT-3'
Protein context (NP_001359035.1, residues 2094-2114): LEAKTLAKKM[Thr2104Met]VLYKLAREQL